The following is an entry in ClinVar:

NM_001004705.2(OR4D10):c.42C>T (p.Phe14=)

Gene: OR4D10 (olfactory receptor family 4 subfamily D member 10; plus strand). Cytogenetic location: 11q12.1.
Variant type: single nucleotide variant.
Coding change: c.42C>T on transcript NM_001004705.2 (MANE Select); coding-DNA position 42, C replaced by T.
Protein change: p.Phe14=; no amino-acid change (phenylalanine 14 retained).
Molecular consequence: synonymous variant.
Genome position (GRCh38, 1-based): chr11:59,477,471, C>T. VCF-style: chr11-59477471-C-T. GRCh37 (hg19) VCF-style: chr11-59244944-C-T.
Identifiers: ClinVar variation 2641812 (VCV002641812.24), dbSNP rs137857607, ClinGen allele CA6018728.

ClinVar aggregate classification (germline): Likely benign (1 of 4 stars; one submission).

Allele frequency attached by ClinVar (database versions not stated): 1000 Genomes Project 0.00180; ExAC 0.00243; gnomAD 0.00243; 1000 Genomes Project 30x 0.00250; TOPMed 0.00260; ESP Exome Variant Server 0.00264.
gnomAD v4.1: 5,014 of 1,601,830 alleles (0.31%); highest among the groups gnomAD compares: Middle Eastern, 1.7%; 22 homozygotes.

Submission:

CeGaT Center for Human Genetics Tuebingen
Classification: Likely benign. Last evaluated: 2022-08-01. Review status: criteria provided, single submitter. Criteria: CeGaT Center For Human Genetics Tuebingen Variant Classification Criteria Version 2. Collection method: clinical testing. Allele origin: germline. Affected: yes. Observed: 1 variant allele.
Comment: OR4D10: BP4, BP7